The following is an entry in ClinVar:

NM_000277.3(PAH):c.743T>G (p.Leu248Arg)

Gene: PAH (phenylalanine hydroxylase; minus strand). Cytogenetic location: 12q23.2.
Variant type: single nucleotide variant.
Coding change: c.743T>G on transcript NM_000277.3 (MANE Select); coding-DNA position 743, T replaced by G.
Protein change: p.Leu248Arg; replaces leucine 248 with arginine.
Molecular consequence: missense variant.
Genome position (GRCh38, 1-based): chr12:102,852,914, A>C on the plus strand (T>G on the coding strand, the complement: PAH is on the minus strand). VCF-style: chr12-102852914-A-C. GRCh37 (hg19) VCF-style: chr12-103246692-A-C.
Other names: NM_000277.3(PAH):c.743T>G; p.Leu248Arg; c.743T>G, p.Leu248Arg (NM_001354304.2); short protein forms L248R.
Identifiers: ClinVar variation 102820 (VCV000102820.2), dbSNP rs62507340, ClinGen allele CA229738.

ClinVar aggregate classification (germline): Uncertain significance. Review status: reviewed by expert panel (3 of 4 stars). 2 submissions from 2 submitters: Uncertain significance (1). 1 of the submissions does not count toward it. Last evaluated 2020-11-13.

Conditions:
Phenylketonuria (PKU). Also called: Phenylketonuria (PKU); FOLLING DISEASE; OLIGOPHRENIA PHENYLPYRUVICA; Phenylketonurias. Identifiers: Orphanet 716, MedGen C0031485, MONDO:0009861, OMIM 261600. Disease mechanism: loss of function.

Allele frequency attached by ClinVar (database versions not stated): gnomAD exomes below 0.00001.
gnomAD v4.1: 2 of 1,614,156 alleles (0.00012%); highest among the groups gnomAD compares: Non-Finnish European, 0.00017%; no homozygotes.

Submissions (2):

ClinGen PAH Variant Curation Expert Panel
Classification: Uncertain significance for Phenylketonuria. Last evaluated: 2020-11-13. Review status: reviewed by expert panel. Criteria: ClinGen PAH ACMG Specifications v1. Collection method: curation. Allele origin: germline. Inheritance: Autosomal recessive inheritance.
Comment: The c.743T>G (p.Leu248Arg) variant in PAH has not been reported in an affected patient to our knowledge. This variant is absent in population databases. Multiple lines of computational evidence support a deleterious effect. In summary, this variant meets criteria to be classified as uncertain significance for PAH. PAH-specific ACMG/AMP criteria applied: PM2, PP3.

DeBelle Laboratory for Biochemical Genetics, MUHC/MCH RESEARCH INSTITUTE
No classification provided. Review status: no classification provided. Collection method: not provided. Allele origin: not provided. Not counted in ClinVar's aggregate classification.